The following is an entry in ClinVar:

NM_005896.4(IDH1):c.262T>A (p.Leu88Met)

Gene: IDH1 (isocitrate dehydrogenase (NADP(+)) 1; minus strand). Cytogenetic location: 2q34.
Variant type: single nucleotide variant.
Coding change: c.262T>A on transcript NM_005896.4 (MANE Select); coding-DNA position 262, T replaced by A.
Protein change: p.Leu88Met; replaces leucine 88 with methionine.
Molecular consequence: missense variant.
Genome position (GRCh38, 1-based): chr2:208,248,521, A>T on the plus strand (T>A on the coding strand, the complement: IDH1 is on the minus strand). VCF-style: chr2-208248521-A-T. GRCh37 (hg19) VCF-style: chr2-209113245-A-T.
Other names: c.262T>A, p.Leu88Met (NM_001282386.1, NM_001282387.1); short protein forms L88M.
Identifiers: ClinVar variation 2567510 (VCV002567510.2), dbSNP rs1215616500, ClinGen allele CA350101889.
Genomic context (GRCh38, chr2:208,248,521, plus strand): 5'-AGACCGTGCCACCCAGAATATTTCGTATGGTGCCATTTGGTGATTTCCACATTTGTTTCA[A>T]CTTGAACTCCTCAACCCTCTTCTCATCAGGAGTGATAGTGGCACATTTGACGCCAACATT-3'
Protein context (NP_005887.2, residues 78-98): PDEKRVEEFK[Leu88Met]KQMWKSPNGT

ClinVar aggregate classification (germline): Uncertain significance (1 of 4 stars; one submission).

Submission:

Ambry Genetics
Classification: Uncertain significance. Last evaluated: 2023-06-09. Review status: criteria provided, single submitter. Criteria: Ambry Variant Classification Scheme 2023. Collection method: clinical testing. Allele origin: germline.
Comment: The p.L88M variant (also known as c.262T>A), located in coding exon 2 of the IDH1 gene, results from a T to A substitution at nucleotide position 262. The leucine at codon 88 is replaced by methionine, an amino acid with highly similar properties. This amino acid position is conserved. In addition, the in silico prediction for this alteration is inconclusive. Since supporting evidence is limited at this time, the clinical significance of this alteration remains unclear.